The following is an entry in ClinVar:

NM_001127208.3(TET2):c.2477G>C (p.Ser826Thr)

Genes: TET2 (tet methylcytosine dioxygenase 2; plus strand), TET2-AS1 (TET2 antisense RNA 1; minus strand). Cytogenetic location: 4q24.
Variant type: single nucleotide variant.
Coding change: c.2477G>C on transcript NM_001127208.3 (MANE Select); coding-DNA position 2477, G replaced by C.
Protein change: p.Ser826Thr; replaces serine 826 with threonine.
Molecular consequence: missense variant.
Genome position (GRCh38, 1-based): chr4:105,236,419, G>C. VCF-style: chr4-105236419-G-C. GRCh37 (hg19) VCF-style: chr4-106157576-G-C.
Other names: c.2477G>C, p.Ser826Thr (NM_017628.4); short protein forms S826T.
Identifiers: ClinVar variation 4865565 (VCV004865565.1).

ClinVar aggregate classification (germline): Uncertain significance (1 of 4 stars; one submission).

Submission:

Ambry Genetics
Classification: Uncertain significance. Last evaluated: 2026-05-03. Review status: criteria provided, single submitter. Criteria: Ambry Variant Classification Scheme 2023. Collection method: clinical testing. Allele origin: germline.
Comment: The p.S826T variant (also known as c.2477G>C), located in coding exon 1 of the TET2 gene, results from a G to C substitution at nucleotide position 2477. The serine at codon 826 is replaced by threonine, an amino acid with similar properties. This amino acid position is conserved. In addition, this alteration is predicted to be tolerated by in silico analysis. Based on the available evidence, the clinical significance of this variant remains unclear.